The following is an entry in ClinVar:

NM_004525.3(LRP2):c.3667+1G>A

Gene: LRP2 (LDL receptor related protein 2; minus strand). Cytogenetic location: 2q31.1.
Variant type: single nucleotide variant.
Coding change: c.3667+1G>A on transcript NM_004525.3 (MANE Select); the canonical splice donor site of the intron after coding-DNA position 3667, G replaced by A.
Molecular consequence: splice donor variant.
Genome position (GRCh38, 1-based): chr2:169,242,955, C>T on the plus strand (G>A on the coding strand, the complement: LRP2 is on the minus strand). VCF-style: chr2-169242955-C-T. GRCh37 (hg19) VCF-style: chr2-170099465-C-T.
Identifiers: ClinVar variation 987893 (VCV000987893.9), dbSNP rs752197557, ClinGen allele CA1954976.

ClinVar aggregate classification (germline): Pathogenic/Likely pathogenic. Review status: criteria provided, multiple submitters, no conflicts (2 of 4 stars). 4 submissions from 4 submitters: Pathogenic (1); Likely pathogenic (3). Last evaluated 2024-06-04.

Conditions:
Donnai-Barrow syndrome. Also called: DBS/FOAR SYNDROME; FACIOOCULOACOUSTICORENAL SYNDROME. Identifiers: Orphanet 2143, MedGen C1857277, MONDO:0009104, OMIM 222448.

Allele frequency attached by ClinVar (database versions not stated): TOPMed below 0.00001; gnomAD 0.00001; gnomAD exomes 0.00001; ExAC 0.00002.
gnomAD v4.1: 18 of 1,611,006 alleles (0.0011%); highest among the groups gnomAD compares: Admixed American, 0.0033%; no homozygotes.

Submissions (4):

Fulgent Genetics
Classification: Likely pathogenic for Donnai-Barrow syndrome. Last evaluated: 2024-06-04. Review status: criteria provided, single submitter. Criteria: ACMG Guidelines, 2015. Collection method: clinical testing. Allele origin: germline.

Genomic Medicine Center of Excellence, King Faisal Specialist Hospital and Research Centre
Classification: Pathogenic for Donnai-Barrow syndrome. Last evaluated: 2024-03-29. Review status: criteria provided, single submitter. Criteria: ACMG Guidelines, 2015. Collection method: clinical testing. Allele origin: germline.

Labcorp Genetics (formerly Invitae), Labcorp
Classification: Likely pathogenic. Last evaluated: 2023-11-02. Review status: criteria provided, single submitter. Criteria: Invitae Variant Classification Sherloc (09022015). Collection method: clinical testing. Allele origin: germline.
Comment: This sequence change affects a donor splice site in intron 24 of the LRP2 gene. It is expected to disrupt RNA splicing. Variants that disrupt the donor or acceptor splice site typically lead to a loss of protein function (PMID: 16199547), and loss-of-function variants in LRP2 are known to be pathogenic (PMID: 17632512, 25682901). This variant is present in population databases (rs752197557, gnomAD 0.003%). Disruption of this splice site has been observed in individual(s) with clinical features of Donnai-Barrow syndrome (PMID: 33461977). ClinVar contains an entry for this variant (Variation ID: 987893). Algorithms developed to predict the effect of sequence changes on RNA splicing suggest that this variant may disrupt the consensus splice site. In summary, the currently available evidence indicates that the variant is pathogenic, but additional data are needed to prove that conclusively. Therefore, this variant has been classified as Likely Pathogenic.

Daryl Scott Lab, Baylor College of Medicine
Classification: Likely pathogenic for Donnai-Barrow syndrome. Last evaluated: 2020-11-11. Review status: criteria provided, single submitter. Criteria: ACMG Guidelines, 2015. Collection method: clinical testing. Allele origin: paternal. Observed: 1 variant allele, 1 compound heterozygote.

Literature cited by the submitters: PubMed 16199547 (cited by Labcorp Genetics (formerly Invitae), Labcorp); PubMed 17632512 (cited by Labcorp Genetics (formerly Invitae), Labcorp); PubMed 25682901 (cited by Labcorp Genetics (formerly Invitae), Labcorp); PubMed 33461977 (cited by Labcorp Genetics (formerly Invitae), Labcorp and Daryl Scott Lab, Baylor College of Medicine).